The following is an entry in ClinVar:

NM_203446.3(SYNJ1):c.*367A>G

Gene: SYNJ1 (synaptojanin 1; minus strand). Cytogenetic location: 21q22.11.
Variant type: single nucleotide variant.
Coding change: c.*367A>G on transcript NM_203446.3 (MANE Select); 367 bases downstream of the stop codon, A replaced by G.
Molecular consequence: 3 prime UTR variant. On other transcripts: missense variant (2).
Genome position (GRCh38, 1-based): chr21:32,631,438, T>C on the plus strand (A>G on the coding strand, the complement: SYNJ1 is on the minus strand). VCF-style: chr21-32631438-T-C. GRCh37 (hg19) VCF-style: chr21-34003748-T-C.
Other names: c.*367A>G (NM_001160302.2); c.4138A>G, p.Thr1380Ala (NM_001160306.2); c.4396A>G, p.Thr1466Ala (NM_003895.4); short protein forms T1380A, T1466A.
Identifiers: ClinVar variation 1462533 (VCV001462533.6), dbSNP rs2145657513, ClinGen allele CA410081760.

ClinVar aggregate classification (germline): Uncertain significance (1 of 4 stars; one submission).

Conditions:
Developmental and epileptic encephalopathy, 53. Also called: Epileptic encephalopathy, early infantile, 53. Identifiers: MedGen C4479313, MONDO:0033362, OMIM 617389.
Early-onset Parkinson disease 20. Also called: PARKINSON DISEASE 20, AUTOSOMAL RECESSIVE EARLY-ONSET. Identifiers: Orphanet 391411, MedGen C3809824, MONDO:0014233, OMIM 615530.

Allele frequency attached by ClinVar (database versions not stated): gnomAD exomes below 0.00001.
gnomAD v4.1: 2 of 1,614,154 alleles (0.00012%); highest among the groups gnomAD compares: Non-Finnish European, 0.00017%; no homozygotes.

Submission:

Labcorp Genetics (formerly Invitae), Labcorp
Classification: Uncertain significance for Developmental and epileptic encephalopathy, 53; Early-onset Parkinson disease 20. Last evaluated: 2021-09-27. Review status: criteria provided, single submitter. Criteria: Invitae Variant Classification Sherloc (09022015). Collection method: clinical testing. Allele origin: germline.
Comment: In summary, the available evidence is currently insufficient to determine the role of this variant in disease. Therefore, it has been classified as a Variant of Uncertain Significance. Algorithms developed to predict the effect of missense changes on protein structure and function output the following: SIFT: "Tolerated"; PolyPhen-2: "Benign"; Align-GVGD: "Class C0". The alanine amino acid residue is found in multiple mammalian species, which suggests that this missense change does not adversely affect protein function. This variant has not been reported in the literature in individuals affected with SYNJ1-related conditions. This variant is not present in population databases (ExAC no frequency). This sequence change replaces threonine with alanine at codon 1466 of the SYNJ1 protein (p.Thr1466Ala). The threonine residue is weakly conserved and there is a small physicochemical difference between threonine and alanine.